The following is an entry in ClinVar:

NM_001384474.1(LOXHD1):c.1443G>A (p.Pro481=)

Gene: LOXHD1 (lipoxygenase homology PLAT domains 1; minus strand). Cytogenetic location: 18q21.1.
Variant type: single nucleotide variant.
Coding change: c.1443G>A on transcript NM_001384474.1 (MANE Select); coding-DNA position 1443, G replaced by A.
Protein change: p.Pro481=; no amino-acid change (proline 481 retained).
Molecular consequence: synonymous variant.
Genome position (GRCh38, 1-based): chr18:46,592,573, C>T on the plus strand (G>A on the coding strand, the complement: LOXHD1 is on the minus strand). VCF-style: chr18-46592573-C-T. GRCh37 (hg19) VCF-style: chr18-44172536-C-T.
Other names: c.1443G>A, p.Pro481= (NM_144612.7).
Identifiers: ClinVar variation 505387 (VCV000505387.13), dbSNP rs184747932, ClinGen allele CA8952798.

ClinVar aggregate classification (germline): Likely benign. Review status: criteria provided, multiple submitters, no conflicts (2 of 4 stars). 2 submissions from 2 submitters: Likely benign (2). Last evaluated 2026-01-28.

Allele frequency attached by ClinVar (database versions not stated): gnomAD 0.00002 and 0.00005; TOPMed 0.00003; ExAC 0.00004; gnomAD exomes 0.00004; 1000 Genomes Project 0.00020; 1000 Genomes Project 30x 0.00031.
gnomAD v4.1: 38 of 1,551,474 alleles (0.0024%); highest among the groups gnomAD compares: South Asian, 0.018%; no homozygotes.

Submissions (2):

Labcorp Genetics (formerly Invitae), Labcorp
Classification: Likely benign. Last evaluated: 2026-01-28. Review status: criteria provided, single submitter. Criteria: Invitae Variant Classification Sherloc (09022015). Collection method: clinical testing. Allele origin: germline.

Laboratory for Molecular Medicine, Mass General Brigham Personalized Medicine
Classification: Likely benign. Last evaluated: 2016-10-17. Review status: criteria provided, single submitter. Criteria: LMM Criteria. Collection method: clinical testing. Allele origin: germline. Observed: 1 variant allele.
Comment: p.Pro481Pro variant in exon 11 of LOXHD1: This variant is not expected to have c linical significance because it does not alter an amino acid residue, is not loc ated within the splice consensus sequence. It has been identified in 1/7912 Sou th Asian chromosomes by the Exome Aggregation Consortium (ExAC; dbSNP rs184747932).